The following is an entry in ClinVar:

NM_000135.4(FANCA):c.2200_2203dup (p.Ser735fs)

Gene: FANCA (FA complementation group A; minus strand). Cytogenetic location: 16q24.3.
Variant type: Duplication.
Coding change: c.2200_2203dup on transcript NM_000135.4 (MANE Select); coding-DNA positions 2200 to 2203, 4 bases duplicated (TCCA; older notation c.2200_2203dupTCCA).
Protein change: p.Ser735fs; shifts the reading frame from serine 735.
Molecular consequence: frameshift variant.
Genome position (GRCh38, 1-based): chr16:89,770,583-89,770,586, TGGA duplicated on the plus strand (TCCA on the coding strand, the reverse complement: FANCA is on the minus strand). VCF-style (leftmost placement, unchanged base first): chr16-89770582-C-CTGGA. GRCh37 (hg19) VCF-style: chr16-89836990-C-CTGGA.
Other names: c.2200_2203dup, p.Ser735fs (NM_001286167.3); short protein forms S735fs.
Identifiers: ClinVar variation 1456741 (VCV001456741.7), dbSNP rs1394491958, ClinGen allele CA725771805.

ClinVar aggregate classification (germline): Pathogenic. Review status: criteria provided, multiple submitters, no conflicts (2 of 4 stars). 2 submissions from 2 submitters: Pathogenic (2). Last evaluated 2025-09-30.

Conditions:
Fanconi anemia complementation group A (FANCA). Also called: Fanconi anemia, group A; FANCA-Related Fanconi Anemia. Identifiers: Orphanet 84, MedGen C3469521, MONDO:0009215, OMIM 227650.
Fanconi anemia (FA). Also called: Fanconi's anemia. Identifiers: Orphanet 84, MedGen C0015625, MeSH D005199, MONDO:0019391.

Allele frequency attached by ClinVar (database versions not stated): TOPMed 0.00001.

Submissions (2):

Myriad Genetics, Inc.
Classification: Pathogenic for Fanconi anemia complementation group A. Last evaluated: 2025-09-30. Review status: criteria provided, single submitter. Criteria: Myriad Autosomal Dominant, Autosomal Recessive and X-Linked Classification Criteria (2023). Collection method: clinical testing. Allele origin: unknown.
Comment: NM_000135.2(FANCA):c.2200_2203dupTCCA(S735Ifs*60) is a frameshift variant classified as pathogenic in the context of Fanconi anemia complementation group A. S735Ifs*60 has not been observed in cases with relevant disease. Relevant functional assessments of this variant are not available in the literature. S735Ifs*60 has not been observed in referenced population frequency databases. In summary, NM_000135.2(FANCA):c.2200_2203dupTCCA(S735Ifs*60) is a frameshift variant in a gene where loss of function is a known mechanism of disease and is predicted to disrupt protein function. Please note: this variant was assessed in the context of healthy population screening.

Labcorp Genetics (formerly Invitae), Labcorp
Classification: Pathogenic for Fanconi anemia. Last evaluated: 2022-11-30. Review status: criteria provided, single submitter. Criteria: Invitae Variant Classification Sherloc (09022015). Collection method: clinical testing. Allele origin: germline.
Comment: For these reasons, this variant has been classified as Pathogenic. ClinVar contains an entry for this variant (Variation ID: 1456741). This variant has not been reported in the literature in individuals affected with FANCA-related conditions. This variant is not present in population databases (gnomAD no frequency). This sequence change creates a premature translational stop signal (p.Ser735Ilefs*60) in the FANCA gene. It is expected to result in an absent or disrupted protein product. Loss-of-function variants in FANCA are known to be pathogenic (PMID: 19367192).

Literature cited by the submitters: PubMed 19367192 (cited by Labcorp Genetics (formerly Invitae), Labcorp).